The following is an entry in ClinVar:

ClinVar aggregate classification (germline): Uncertain significance (1 of 4 stars; one submission).

Submission:

Labcorp Genetics (formerly Invitae), Labcorp
Classification: Uncertain significance. Last evaluated: 2021-11-05. Review status: criteria provided, single submitter. Criteria: Invitae Variant Classification Sherloc (09022015). Collection method: clinical testing. Allele origin: germline.
Comment: This sequence change results in a frameshift in the PIGV gene (p.Leu481Thrfs*22). While this is not anticipated to result in nonsense mediated decay, it is expected to disrupt the last 13 amino acid(s) of the PIGV protein and extend the protein by 8 additional amino acid residues. This variant is not present in population databases (ExAC no frequency). This variant has not been reported in the literature in individuals affected with PIGV-related conditions. Experimental studies and prediction algorithms are not available or were not evaluated, and the functional significance of this variant is currently unknown. In summary, the available evidence is currently insufficient to determine the role of this variant in disease. Therefore, it has been classified as a Variant of Uncertain Significance.

NM_017837.4(PIGV):c.1440_*301del (p.Leu481fs)

Gene: PIGV (phosphatidylinositol glycan anchor biosynthesis class V; plus strand). Cytogenetic location: 1p36.11.
Variant type: Deletion.
Coding change: c.1440_*301del on transcript NM_017837.4 (MANE Select); coding-DNA position 1440 through 301 bases downstream of the stop codon, 344 bases deleted.
Protein change: p.Leu481fs; shifts the reading frame from leucine 481.
Molecular consequence: frameshift variant. On other transcripts: non-coding transcript variant (2).
Genome position (GRCh38, 1-based): chr1:26,797,802-26,798,145, 344 bases deleted. GRCh37 (hg19): chr1:27,124,293-27,124,636.
Other names: c.1440_*301del, p.Leu481fs (NM_001202554.2, NM_001374478.1, NM_001374480.1 and 2 more transcripts); c.1059_*301del, p.Leu354fs (NM_001374483.1); c.813_*301del, p.Leu272fs (NM_001374484.1, NM_001374485.1); c.318_*301del, p.Leu107fs (NM_001374486.1); short protein forms L272fs, L107fs, L354fs, L481fs.
Identifiers: ClinVar variation 1491915 (VCV001491915.1), dbSNP rs2124208859, ClinGen allele CA2573132227.